The following is an entry in ClinVar:

ClinVar aggregate classification (germline): Uncertain significance. Review status: criteria provided, multiple submitters, no conflicts (2 of 4 stars). 3 submissions from 3 submitters: Uncertain significance (3). Last evaluated 2025-06-15.

Conditions:
Inborn genetic diseases. Identifiers: MedGen C0950123, MeSH D030342.
Acute myeloid leukemia (AML). Also called: Acute myeloid leukemia, adult; AML adult; Acute non-lymphocytic leukemia; Acute granulocytic leukemia; Leukemia, acute myelogenous, somatic; Leukemia, acute myeloid, somatic. Identifiers: Orphanet 519, MedGen C0023467, MeSH D015470, MONDO:0018874, OMIM 601626, HP:0004808. Disease mechanism: Constitutively activated FLT3.

Allele frequency attached by ClinVar (database versions not stated): TOPMed below 0.00001.
gnomAD v4.1: 2 of 1,322,826 alleles (0.00015%); highest among the groups gnomAD compares: Non-Finnish European, 0.000097%; no homozygotes.

Submissions (3):

Ambry Genetics
Classification: Uncertain significance for Inborn genetic diseases. Last evaluated: 2025-06-15. Review status: criteria provided, single submitter. Criteria: Ambry Variant Classification Scheme 2023. Collection method: clinical testing. Allele origin: germline.
Comment: The p.P186S variant (also known as c.556C>T), located in coding exon 1 of the CEBPA gene, results from a C to T substitution at nucleotide position 556. The proline at codon 186 is replaced by serine, an amino acid with similar properties. This amino acid position is conserved. In addition, this alteration is predicted to be tolerated by in silico analysis. Based on the available evidence, the clinical significance of this variant remains unclear.

Baylor Genetics
Classification: Uncertain significance for Acute myeloid leukemia. Last evaluated: 2023-12-06. Review status: criteria provided, single submitter. Criteria: ACMG Guidelines, 2015. Collection method: clinical testing. Allele origin: unknown.

Labcorp Genetics (formerly Invitae), Labcorp
Classification: Uncertain significance for Acute myeloid leukemia. Last evaluated: 2023-06-05. Review status: criteria provided, single submitter. Criteria: Invitae Variant Classification Sherloc (09022015). Collection method: clinical testing. Allele origin: germline.
Comment: In summary, the available evidence is currently insufficient to determine the role of this variant in disease. Therefore, it has been classified as a Variant of Uncertain Significance. An algorithm developed to predict the effect of missense changes on protein structure and function (PolyPhen-2) suggests that this variant is likely to be disruptive. ClinVar contains an entry for this variant (Variation ID: 939256). This variant has not been reported in the literature in individuals affected with CEBPA-related conditions. This variant is not present in population databases (gnomAD no frequency). This sequence change replaces proline, which is neutral and non-polar, with serine, which is neutral and polar, at codon 186 of the CEBPA protein (p.Pro186Ser).

NM_004364.5(CEBPA):c.556C>T (p.Pro186Ser)

Gene: CEBPA (CCAAT enhancer binding protein alpha; minus strand). Cytogenetic location: 19q13.11.
Variant type: single nucleotide variant.
Coding change: c.556C>T on transcript NM_004364.5 (MANE Select); coding-DNA position 556, C replaced by T.
Protein change: p.Pro186Ser; replaces proline 186 with serine.
Molecular consequence: missense variant.
Genome position (GRCh38, 1-based): chr19:33,301,859, G>A on the plus strand (C>T on the coding strand, the complement: CEBPA is on the minus strand). VCF-style: chr19-33301859-G-A. GRCh37 (hg19) VCF-style: chr19-33792765-G-A.
Other names: c.199C>T, p.Pro67Ser (NM_001285829.2); c.661C>T, p.Pro221Ser (NM_001287424.2); c.514C>T, p.Pro172Ser (NM_001287435.2); c.556C>T (NM_004364.3); short protein forms P221S, P67S, P172S, P186S.
Identifiers: ClinVar variation 939256 (VCV000939256.10), dbSNP rs1303742006, ClinGen allele CA405274700.